The following is an entry in ClinVar:

ClinVar aggregate classification (germline): Uncertain significance (1 of 4 stars; one submission).

Conditions:
T-B+ severe combined immunodeficiency due to JAK3 deficiency. Also called: SCID, autosomal recessive, T-negative/B-positive type; SCID, T CELL-NEGATIVE, B CELL-POSITIVE, NK CELL-NEGATIVE. Identifiers: Orphanet 35078, MedGen C1833275, MONDO:0010938, OMIM 600802.

Allele frequency attached by ClinVar (database versions not stated): TOPMed 0.00002.

Submission:

Labcorp Genetics (formerly Invitae), Labcorp
Classification: Uncertain significance for T-B+ severe combined immunodeficiency due to JAK3 deficiency. Last evaluated: 2020-09-16. Review status: criteria provided, single submitter. Criteria: Invitae Variant Classification Sherloc (09022015). Collection method: clinical testing. Allele origin: germline.
Comment: Experimental studies have shown that this variant disrupts mRNA splicing (PMID: 27593409). In summary, the available evidence is currently insufficient to determine the role of this variant in disease. Therefore, it has been classified as a Variant of Uncertain Significance. This sequence change falls in intron 4 of the JAK3 gene. It does not directly change the encoded amino acid sequence of the JAK3 protein. This variant is not present in population databases (ExAC no frequency). This variant has been observed in individual(s) with severe combined immunodeficiency (PMID: 27593409).

Literature cited by the submitters: PubMed 27593409.

NM_000215.4(JAK3):c.421-10G>A

Gene: JAK3 (Janus kinase 3; minus strand). Cytogenetic location: 19p13.11.
Variant type: single nucleotide variant.
Coding change: c.421-10G>A on transcript NM_000215.4 (MANE Select); 10 bases into the intron before coding-DNA position 421, G replaced by A.
Molecular consequence: intron variant.
Genome position (GRCh38, 1-based): chr19:17,843,182, C>T on the plus strand (G>A on the coding strand, the complement: JAK3 is on the minus strand). VCF-style: chr19-17843182-C-T. GRCh37 (hg19) VCF-style: chr19-17953991-C-T.
Identifiers: ClinVar variation 1021755 (VCV001021755.8), dbSNP rs976205515, ClinGen allele CA306141139.